The following is an entry in ClinVar:

ClinVar aggregate classification (germline): Conflicting classifications of pathogenicity. Review status: criteria provided, conflicting classifications (1 of 4 stars). 5 submissions from 5 submitters: Uncertain significance (1); Benign (1); Likely benign (3). Last evaluated 2026-02-01.

Conditions:
Nemaline myopathy 2 (NEM2). Also called: Nemaline myopathy 2, autosomal recessive. Identifiers: MedGen C1850569, MONDO:0009725, OMIM 256030.

Allele frequency attached by ClinVar (database versions not stated): 1000 Genomes Project 0.00040; 1000 Genomes Project 30x 0.00047; ESP Exome Variant Server 0.00057; ExAC 0.00072; gnomAD 0.00072 and 0.00073; gnomAD exomes 0.00082 and 0.00102; TOPMed 0.00105.
gnomAD v4.1: 1,567 of 1,595,284 alleles (0.098%); highest among the groups gnomAD compares: Admixed American, 0.2%; 1 homozygote.

Submissions (5):

Labcorp Genetics (formerly Invitae), Labcorp
Classification: Benign for Nemaline myopathy 2. Last evaluated: 2026-02-01. Review status: criteria provided, single submitter. Criteria: Invitae Variant Classification Sherloc (09022015). Collection method: clinical testing. Allele origin: germline.

Blueprint Genetics
Classification: Likely benign. Last evaluated: 2024-11-14. Review status: criteria provided, single submitter. Criteria: ACMG Guidelines, 2015. Collection method: clinical testing. Allele origin: germline.

Illumina Laboratory Services, Illumina
Classification: Uncertain significance for Nemaline myopathy 2. Last evaluated: 2018-01-13. Review status: criteria provided, single submitter. Criteria: ICSL Variant Classification Criteria 13 December 2019. Collection method: clinical testing. Allele origin: germline.

GeneDx
Classification: Likely benign. Last evaluated: 2017-12-12. Review status: criteria provided, single submitter. Criteria: GeneDx Variant Classification (06012015). Collection method: clinical testing. Allele origin: germline. Affected: yes.
Comment: This variant is considered likely benign or benign based on one or more of the following criteria: it is a conservative change, it occurs at a poorly conserved position in the protein, it is predicted to be benign by multiple in silico algorithms, and/or has population frequency not consistent with disease.

PreventionGenetics, part of Exact Sciences
Classification: Likely benign. Review status: criteria provided, single submitter. Criteria: ACMG Guidelines, 2015. Collection method: clinical testing. Allele origin: germline.

NM_001164508.2(NEB):c.5763+15C>T

Gene: NEB (nebulin; minus strand). Cytogenetic location: 2q23.3.
Variant type: single nucleotide variant.
Coding change: c.5763+15C>T on transcript NM_001164508.2 (MANE Select); 15 bases into the intron after coding-DNA position 5763, C replaced by T.
Molecular consequence: intron variant.
Genome position (GRCh38, 1-based): chr2:151,663,533, G>A on the plus strand (C>T on the coding strand, the complement: NEB is on the minus strand). VCF-style: chr2-151663533-G-A. GRCh37 (hg19) VCF-style: chr2-152520047-G-A.
Other names: c.5763+15C>T (NM_004543.5, NM_001164507.2, NM_001271208.2).
Identifiers: ClinVar variation 257820 (VCV000257820.16), dbSNP rs148455519, ClinGen allele CA1910286.